The following is an entry in ClinVar:

ClinVar aggregate classification (germline): Uncertain significance (1 of 4 stars; one submission).

Conditions:
Dilated cardiomyopathy 1J (CMD1J). Also called: CARDIOMYOPATHY, DILATED, WITH SENSORINEURAL HEARING LOSS, AUTOSOMAL DOMINANT. Identifiers: Orphanet 217622, MedGen C1854368, MONDO:0011541, OMIM 605362.

Submission:

Labcorp Genetics (formerly Invitae), Labcorp
Classification: Uncertain significance for Dilated cardiomyopathy 1J. Last evaluated: 2024-01-26. Review status: criteria provided, single submitter. Criteria: Invitae Variant Classification Sherloc (09022015). Collection method: clinical testing. Allele origin: germline.
Comment: This sequence change replaces glycine, which is neutral and non-polar, with alanine, which is neutral and non-polar, at codon 113 of the EYA4 protein (p.Gly113Ala). This variant is not present in population databases (gnomAD no frequency). This variant has not been reported in the literature in individuals affected with EYA4-related conditions. An algorithm developed to predict the effect of missense changes on protein structure and function (PolyPhen-2) suggests that this variant is likely to be disruptive. In summary, the available evidence is currently insufficient to determine the role of this variant in disease. Therefore, it has been classified as a Variant of Uncertain Significance.

NM_004100.5(EYA4):c.338G>C (p.Gly113Ala)

Gene: EYA4 (EYA transcriptional coactivator and phosphatase 4; plus strand). Cytogenetic location: 6q23.2.
Variant type: single nucleotide variant.
Coding change: c.338G>C on transcript NM_004100.5 (MANE Select); coding-DNA position 338, G replaced by C.
Protein change: p.Gly113Ala; replaces glycine 113 with alanine.
Molecular consequence: missense variant. On other transcripts: intron variant (2).
Genome position (GRCh38, 1-based): chr6:133,456,616, G>C. VCF-style: chr6-133456616-G-C. GRCh37 (hg19) VCF-style: chr6-133777754-G-C.
Other names: c.338G>C, p.Gly113Ala (NM_001301013.2, NM_172105.4); c.269G>C, p.Gly90Ala (NM_001370458.1, NM_172103.4); c.209-4498G>C (NM_001370459.1, NM_001301012.2); short protein forms G113A, G90A.
Identifiers: ClinVar variation 2712082 (VCV002712082.3), dbSNP rs2534466600, ClinGen allele CA365694379.
Genomic context (GRCh38, chr6:133,456,616, plus strand): 5'-TGTCTCTTCTTGCAGTCAAAACAGAGCCCTTGAACAGCAGTGAAACCACAGCCACGACTG[G>C]AGATGGAGCGCTTGACACTTTTACTGGGTCAGGTAAAGCCTTTAGCTCGTGTGTCCTTAC-3'
Protein context (NP_004091.3, residues 103-123): LNSSETTATT[Gly113Ala]DGALDTFTGS